The following is an entry in ClinVar:

ClinVar aggregate classification (germline): Uncertain significance (1 of 4 stars; one submission).

Submission:

GeneDx
Classification: Uncertain significance. Last evaluated: 2022-05-26. Review status: criteria provided, single submitter. Criteria: GeneDx Variant Classification Process June 2021. Collection method: clinical testing. Allele origin: germline. Affected: yes.
Comment: Not observed at significant frequency in large population cohorts (gnomAD); In silico analysis supports that this missense variant does not alter protein structure/function; Has not been previously published as pathogenic or benign to our knowledge

NM_013275.6(ANKRD11):c.4532C>T (p.Pro1511Leu)

Gene: ANKRD11 (ankyrin repeat domain containing 11; minus strand). Cytogenetic location: 16q24.3.
Variant type: single nucleotide variant.
Coding change: c.4532C>T on transcript NM_013275.6 (MANE Select); coding-DNA position 4532, C replaced by T.
Protein change: p.Pro1511Leu; replaces proline 1511 with leucine.
Molecular consequence: missense variant.
Genome position (GRCh38, 1-based): chr16:89,282,010, G>A on the plus strand (C>T on the coding strand, the complement: ANKRD11 is on the minus strand). VCF-style: chr16-89282010-G-A. GRCh37 (hg19) VCF-style: chr16-89348418-G-A.
Other names: c.4532C>T, p.Pro1511Leu (NM_001256182.2, NM_001256183.2); short protein forms P1511L.
Identifiers: ClinVar variation 1801160 (VCV001801160.1), dbSNP rs2544232267, ClinGen allele CA397157371.